The following is an entry in ClinVar:

ClinVar aggregate classification (germline): Uncertain significance (1 of 4 stars; one submission).

Conditions:
Hereditary spastic paraplegia 50 (SPG50). Also called: Spastic paraplegia 50, autosomal recessive. Identifiers: Orphanet 280763, MedGen C2752008, MONDO:0013048, OMIM 612936.

Submission:

Labcorp Genetics (formerly Invitae), Labcorp
Classification: Uncertain significance for Hereditary spastic paraplegia 50. Last evaluated: 2026-01-20. Review status: criteria provided, single submitter. Criteria: Invitae Variant Classification Sherloc (09022015). Collection method: clinical testing. Allele origin: germline.
Comment: This sequence change affects codon 342 of the AP4M1 mRNA. It is a 'silent' change, meaning that it does not change the encoded amino acid sequence of the AP4M1 protein. It affects a nucleotide within the consensus splice site. This variant is not present in population databases (gnomAD no frequency). This variant has not been reported in the literature in individuals affected with AP4M1-related conditions. Algorithms developed to predict the effect of sequence changes on RNA splicing suggest that this variant is not likely to affect RNA splicing. In summary, the available evidence is currently insufficient to determine the role of this variant in disease. Therefore, it has been classified as a Variant of Uncertain Significance.

NM_004722.4(AP4M1):c.1026C>T (p.Ser342=)

Gene: AP4M1 (adaptor related protein complex 4 subunit mu 1; plus strand). Cytogenetic location: 7q22.1.
Variant type: single nucleotide variant.
Coding change: c.1026C>T on transcript NM_004722.4 (MANE Select); coding-DNA position 1026, C replaced by T.
Protein change: p.Ser342=; no amino-acid change (serine 342 retained).
Molecular consequence: synonymous variant. On other transcripts: non-coding transcript variant (1).
Genome position (GRCh38, 1-based): chr7:100,106,403, C>T. VCF-style: chr7-100106403-C-T. GRCh37 (hg19) VCF-style: chr7-99704026-C-T.
Other names: c.1047C>T, p.Ser349= (NM_001363671.2, NM_001438824.1, NM_001438827.1); c.1026C>T, p.Ser342= (NM_001438825.1, NM_001438826.1, NM_001438828.1); c.822C>T, p.Ser274= (NM_001438829.1, NM_001438830.1); c.642C>T, p.Ser214= (NM_001438831.1, NM_001438832.1).
Identifiers: ClinVar variation 4766186 (VCV004766186.1).
Genomic context (GRCh38, chr7:100,106,403, plus strand): 5'-GCATGACGGGTCTGCCTCAAGAAGGTGCCAAGCCCAGCACCTTCCCTTTCCAAACTCCAG[C>T]CTGTCTCAGGAGCTGAGCAGCCCAGAGCAGAAGGCTGAGCTGGCAGAGGGAGCCCTTCGC-3'
Protein context (NP_004713.2, residues 332-352): LHLPLPRGVV[Ser342=]LSQELSSPEQ